The following is an entry in ClinVar:

NM_020791.4(TAOK1):c.484C>T (p.Pro162Ser)

Gene: TAOK1 (TAO kinase 1; plus strand). Cytogenetic location: 17q11.2.
Variant type: single nucleotide variant.
Coding change: c.484C>T on transcript NM_020791.4 (MANE Select); coding-DNA position 484, C replaced by T.
Protein change: p.Pro162Ser; replaces proline 162 with serine.
Molecular consequence: missense variant.
Genome position (GRCh38, 1-based): chr17:29,480,402, C>T. VCF-style: chr17-29480402-C-T. GRCh37 (hg19) VCF-style: chr17-27807420-C-T.
Other names: c.484C>T, p.Pro162Ser (NM_025142.1); short protein forms P162S.
Identifiers: ClinVar variation 4082903 (VCV004082903.1).
Genomic context (GRCh38, chr17:29,480,402, plus strand): 5'-TAATTTTCTGTATTCCCTAAACCTAGAGATATCAAAGCAGGAAATATCCTTCTGACAGAA[C>T]CAGGCCAGGTGAAACTTGCTGACTTTGGCTCTGCTTCCATGGCATCACCTGCCAATTCCT-3'
Protein context (NP_065842.1, residues 152-172): IKAGNILLTE[Pro162Ser]GQVKLADFGS

ClinVar aggregate classification (germline): Uncertain significance (1 of 4 stars; one submission).

Submission:

GeneDx
Classification: Uncertain significance. Last evaluated: 2025-03-08. Review status: criteria provided, single submitter. Criteria: GeneDx Variant Classification Process June 2021. Collection method: clinical testing. Allele origin: germline. Affected: yes.
Comment: Not observed at significant frequency in large population cohorts (gnomAD); In silico analysis supports that this missense variant has a deleterious effect on protein structure/function; Has not been previously published as pathogenic or benign to our knowledge